The following is an entry in ClinVar:

NM_001999.4(FBN2):c.7052A>G (p.Asn2351Ser)

Gene: FBN2 (fibrillin 2; minus strand). Cytogenetic location: 5q23.3.
Variant type: single nucleotide variant.
Coding change: c.7052A>G on transcript NM_001999.4 (MANE Select); coding-DNA position 7052, A replaced by G.
Protein change: p.Asn2351Ser; replaces asparagine 2351 with serine.
Molecular consequence: missense variant.
Genome position (GRCh38, 1-based): chr5:128,280,278, T>C on the plus strand (A>G on the coding strand, the complement: FBN2 is on the minus strand). VCF-style: chr5-128280278-T-C. GRCh37 (hg19) VCF-style: chr5-127615970-T-C.
Other names: short protein forms N2351S.
Identifiers: ClinVar variation 648569 (VCV000648569.10), dbSNP rs1581184433, ClinGen allele CA360757736.

ClinVar aggregate classification (germline): Uncertain significance. Review status: criteria provided, multiple submitters, no conflicts (2 of 4 stars). 2 submissions from 2 submitters: Uncertain significance (2). Last evaluated 2026-03-10.

Conditions:
Congenital contractural arachnodactyly (CCA). Also called: Arthrogryposis, distal, type 9; BEALS SYNDROME; Beals-Hecht syndrome. Identifiers: Orphanet 115, MedGen C0220668, MONDO:0007363, OMIM 121050.

Submissions (2):

GeneDx
Classification: Uncertain significance. Last evaluated: 2026-03-10. Review status: criteria provided, single submitter. Criteria: GeneDx Variant Classification Process June 2021. Collection method: clinical testing. Allele origin: germline.
Comment: Not observed at significant frequency in large population cohorts (gnomAD); In silico analysis supports that this missense variant has a deleterious effect on protein structure/function; Has not been previously published as pathogenic or benign to our knowledge

Labcorp Genetics (formerly Invitae), Labcorp
Classification: Uncertain significance for Congenital contractural arachnodactyly. Last evaluated: 2025-12-17. Review status: criteria provided, single submitter. Criteria: Invitae Variant Classification Sherloc (09022015). Collection method: clinical testing. Allele origin: germline.
Comment: This sequence change replaces asparagine, which is neutral and polar, with serine, which is neutral and polar, at codon 2351 of the FBN2 protein (p.Asn2351Ser). This variant is not present in population databases (gnomAD no frequency). This missense change has been observed in individuals with clinical features of congenital contractural arachnodactyly (internal data). ClinVar contains an entry for this variant (Variation ID: 648569). Invitae Evidence Modeling of protein sequence and biophysical properties (such as structural, functional, and spatial information, amino acid conservation, physicochemical variation, residue mobility, and thermodynamic stability) indicates that this missense variant is not expected to disrupt FBN2 protein function with a negative predictive value of 80%. In summary, the available evidence is currently insufficient to determine the role of this variant in disease. Therefore, it has been classified as a Variant of Uncertain Significance.